The following is an entry in ClinVar:

NM_205836.3(FBXO38):c.1874G>A (p.Arg625His)

Gene: FBXO38 (F-box protein 38; plus strand). Cytogenetic location: 5q32.
Variant type: single nucleotide variant.
Coding change: c.1874G>A on transcript NM_205836.3 (MANE Select); coding-DNA position 1874, G replaced by A.
Protein change: p.Arg625His; replaces arginine 625 with histidine.
Molecular consequence: missense variant.
Genome position (GRCh38, 1-based): chr5:148,425,657, G>A. VCF-style: chr5-148425657-G-A. GRCh37 (hg19) VCF-style: chr5-147805220-G-A.
Other names: c.1874G>A, p.Arg625His (NM_001271723.2, NM_030793.5); short protein forms R625H.
Identifiers: ClinVar variation 2721238 (VCV002721238.3), dbSNP rs756205818, ClinGen allele CA3497403.
Genomic context (GRCh38, chr5:148,425,657, plus strand): 5'-ATAGTCTAGAACTCCAAGAAGTCTGGATTCCTAAGAACGGTACTCGGCGTTACTCTGAAC[G>A]TGAAGAAAAAACTGGAGAGTCAGTGCAGTCCAGAGAATTGTCAGGTGAGAAATTGTCTTT-3'
Protein context (NP_995308.1, residues 615-635): PKNGTRRYSE[Arg625His]EEKTGESVQS

ClinVar aggregate classification (germline): Uncertain significance (1 of 4 stars; one submission).

Conditions:
Distal hereditary motor neuropathy type 2. Identifiers: Orphanet 139525, MedGen C3711384, MeSH C580044, MONDO:0015352.

Allele frequency attached by ClinVar (database versions not stated): ExAC 0.00003.
gnomAD v4.1: 27 of 1,613,944 alleles (0.0017%); highest among the groups gnomAD compares: South Asian, 0.014%; no homozygotes.

Submission:

Labcorp Genetics (formerly Invitae), Labcorp
Classification: Uncertain significance for Distal hereditary motor neuropathy type 2. Last evaluated: 2023-05-01. Review status: criteria provided, single submitter. Criteria: Invitae Variant Classification Sherloc (09022015). Collection method: clinical testing. Allele origin: germline.
Comment: In summary, the available evidence is currently insufficient to determine the role of this variant in disease. Therefore, it has been classified as a Variant of Uncertain Significance. Advanced modeling of protein sequence and biophysical properties (such as structural, functional, and spatial information, amino acid conservation, physicochemical variation, residue mobility, and thermodynamic stability) performed at Invitae indicates that this missense variant is not expected to disrupt FBXO38 protein function. This variant has not been reported in the literature in individuals affected with FBXO38-related conditions. This variant is present in population databases (rs756205818, gnomAD 0.02%). This sequence change replaces arginine, which is basic and polar, with histidine, which is basic and polar, at codon 625 of the FBXO38 protein (p.Arg625His).